The following is an entry in ClinVar:

ClinVar aggregate classification (germline): Pathogenic (1 of 4 stars; one submission).

Submission:

GeneDx
Classification: Pathogenic. Last evaluated: 2025-03-17. Review status: criteria provided, single submitter. Criteria: GeneDx Variant Classification Process June 2021. Collection method: clinical testing. Allele origin: germline. Affected: yes.
Comment: Frameshift variant predicted to result in protein truncation or nonsense mediated decay in a gene for which loss of function is a known mechanism of disease; Reported in an individual with KBG syndrome; the variant segregated with disease in the affected mother and sibling (PMID: 32820523); Not observed at significant frequency in large population cohorts (gnomAD); This variant is associated with the following publications: (PMID: 32820523)

NM_013275.6(ANKRD11):c.4398_4401del (p.Glu1467fs)

Gene: ANKRD11 (ankyrin repeat domain containing 11; minus strand). Cytogenetic location: 16q24.3.
Variant type: Deletion.
Coding change: c.4398_4401del on transcript NM_013275.6 (MANE Select); coding-DNA positions 4398 to 4401, 4 bases deleted (GGAG; older notation c.4398_4401delGGAG).
Protein change: p.Glu1467fs; shifts the reading frame from glutamic acid 1467.
Molecular consequence: frameshift variant.
Genome position (GRCh38, 1-based): chr16:89,282,141-89,282,144, CTCC deleted on the plus strand (GGAG on the coding strand, the reverse complement: ANKRD11 is on the minus strand); deleting any 4 consecutive bases within chr16:89,282,141-89,282,146 gives the same sequence; the c. name uses the placement nearest the transcript's 3' end. VCF-style (leftmost placement, unchanged base first): chr16-89282140-TCTCC-T. GRCh37 (hg19) VCF-style: chr16-89348548-TCTCC-T.
Other names: c.4398_4401del, p.Glu1467fs (NM_001256182.2, NM_001256183.2); short protein forms E1467fs.
Identifiers: ClinVar variation 4086470 (VCV004086470.1).